The following is an entry in ClinVar:

ClinVar aggregate classification (germline): Likely pathogenic. Review status: criteria provided, single submitter (1 of 4 stars). 2 submissions from 2 submitters: Likely pathogenic (1). 1 of the submissions does not count toward it. Last evaluated 2026-03-24.

Conditions:
Alopecia-intellectual disability syndrome 1. Also called: AMR SYNDROME. Identifiers: MedGen C1859878, MONDO:0021035, OMIM 203650.

Allele frequency attached by ClinVar (database versions not stated): gnomAD 0.00004 and 0.00007; ExAC 0.00008; TOPMed 0.00009; ESP Exome Variant Server 0.00015; 1000 Genomes Project 0.00040; 1000 Genomes Project 30x 0.00047.
gnomAD v4.1: 119 of 1,614,152 alleles (0.0074%); highest among the groups gnomAD compares: South Asian, 0.032%; no homozygotes.

Submissions (2):

Department of Molecular Genetics, Istishari Arab Hospital
Classification: Likely pathogenic for Alopecia-intellectual disability syndrome 1. Last evaluated: 2026-03-24. Review status: criteria provided, single submitter. Criteria: ACMG Guidelines, 2015. Collection method: clinical testing. Allele origin: germline. Inheritance: Autosomal recessive inheritance. Affected: yes.
Comment: The AHSG variant c.950G>A (p.Arg317His) results in an amino acid substitution from Arginine to Histidine at codon 317. This variant is observed at an extremely low frequency in the gnomAD v4.1.0 dataset (total allele frequency <0.001%). The variant was reported in a large consanguineous Iranian family in which 7 individuals spanning 4 generations had Alopecia-intellectual disability (APMR) (PMID: 17451405). It is classified as likely pathogenic according to the recommendations of ACMG/AMP/ClinGen SVI guidelines.

OMIM
Classification: Pathogenic for ALOPECIA-INTELLECTUAL DISABILITY SYNDROME 1 (1 family). Last evaluated: 2025-01-07. Review status: no assertion criteria provided. Collection method: literature only. Allele origin: germline. Not counted in ClinVar's aggregate classification.

Literature cited by the submitters: PubMed 17451405 (cited by Department of Molecular Genetics, Istishari Arab Hospital); PubMed 28054173 (cited by OMIM).

NM_001622.4(AHSG):c.950G>A (p.Arg317His)

Gene: AHSG (alpha 2-HS glycoprotein; plus strand). Cytogenetic location: 3q27.3.
Variant type: single nucleotide variant.
Coding change: c.950G>A on transcript NM_001622.4 (MANE Select); coding-DNA position 950, G replaced by A.
Protein change: p.Arg317His; replaces arginine 317 with histidine.
Molecular consequence: missense variant.
Genome position (GRCh38, 1-based): chr3:186,620,776, G>A. VCF-style: chr3-186620776-G-A. GRCh37 (hg19) VCF-style: chr3-186338565-G-A.
Other names: AHSG, ARG317HIS (rs201849460); p.Arg317His; c.953G>A, p.Arg318His (NM_001354571.2); c.947G>A, p.Arg316His (NM_001354572.2); c.866G>A, p.Arg289His (NM_001354573.2); short protein forms R317H, R289H, R316H, R318H.
Identifiers: ClinVar variation 488189 (VCV000488189.8), dbSNP rs201849460, ClinGen allele CA2745077.